The following is an entry in ClinVar:

ClinVar aggregate classification (germline): Uncertain significance (1 of 4 stars; one submission).

Submission:

Women's Health and Genetics/Laboratory Corporation of America, LabCorp
Classification: Uncertain significance. Last evaluated: 2024-10-08. Review status: criteria provided, single submitter. Criteria: LabCorp Variant Classification Summary - May 2015. Collection method: clinical testing. Allele origin: germline.
Comment: Variant summary: The variant involves the duplication of exons 1-7 in the ETFDH gene. A presumed nomenclature of c.(?_-162)_(831+1_832-1)dup has been designated for the purposes of this classification. The exact breakpoint at the 5' end of this variant is unknown, therefore this duplication may extend upstream of the annotated region of this gene. It is predicted to duplicate a segment including the initiation codon, therefore its impact on the encoded protein is unknown. The variant was absent in 21694 control chromosomes (Structural Variants v2.1 dataset). To our knowledge, no occurrence of duplication of exon 1-7 in individuals affected with Glutaric Aciduria, Type 2c and no experimental evidence demonstrating its impact on protein function have been reported. One ClinVar submitter cite a similar variant as uncertain significance (Variation ID: 1442649). Based on the evidence outlined above, the variant was classified as uncertain significance.

NC_000004.11:g.(?_159593447)_(159616796_159618710)dup

Gene: ETFDH (electron transfer flavoprotein dehydrogenase; plus strand). Cytogenetic location: 4q32.1.
Variant type: Duplication.
Identifiers: ClinVar variation 3384866 (VCV003384866.1).